The following is an entry in ClinVar:

NM_182746.3(MCM4):c.1075G>C (p.Glu359Gln)

Gene: MCM4 (minichromosome maintenance complex component 4; plus strand). Cytogenetic location: 8q11.21.
Variant type: single nucleotide variant.
Coding change: c.1075G>C on transcript NM_182746.3 (MANE Select); coding-DNA position 1075, G replaced by C.
Protein change: p.Glu359Gln; replaces glutamic acid 359 with glutamine.
Molecular consequence: missense variant.
Genome position (GRCh38, 1-based): chr8:47,967,386, G>C. VCF-style: chr8-47967386-G-C. GRCh37 (hg19) VCF-style: chr8-48879946-G-C.
Other names: c.1075G>C, p.Glu359Gln (NM_005914.4); short protein forms E359Q.
Identifiers: ClinVar variation 1345143 (VCV001345143.6), dbSNP rs1168723081, ClinGen allele CA371149858.

ClinVar aggregate classification (germline): Uncertain significance (1 of 4 stars; one submission).

Allele frequency attached by ClinVar (database versions not stated): TOPMed below 0.00001.
gnomAD v4.1: 10 of 1,614,192 alleles (0.00062%); highest among the groups gnomAD compares: South Asian, 0.0022%; no homozygotes.

Submission:

Labcorp Genetics (formerly Invitae), Labcorp
Classification: Uncertain significance. Last evaluated: 2021-06-07. Review status: criteria provided, single submitter. Criteria: Invitae Variant Classification Sherloc (09022015). Collection method: clinical testing. Allele origin: germline.
Comment: In summary, the available evidence is currently insufficient to determine the role of this variant in disease. Therefore, it has been classified as a Variant of Uncertain Significance. Algorithms developed to predict the effect of missense changes on protein structure and function are either unavailable or do not agree on the potential impact of this missense change (SIFT: "Tolerated"; PolyPhen-2: "Possibly Damaging"; Align-GVGD: "Class C0"). This variant has not been reported in the literature in individuals with MCM4-related conditions. This variant is not present in population databases (ExAC no frequency). This sequence change replaces glutamic acid with glutamine at codon 359 of the MCM4 protein (p.Glu359Gln). The glutamic acid residue is moderately conserved and there is a small physicochemical difference between glutamic acid and glutamine.